The following is an entry in ClinVar:

ClinVar aggregate classification (germline): Pathogenic/Likely pathogenic. Review status: criteria provided, multiple submitters, no conflicts (2 of 4 stars). 4 submissions from 4 submitters: Pathogenic (2); Likely pathogenic (2). Last evaluated 2023-10-20.

Conditions:
Charlevoix-Saguenay spastic ataxia (SACS). Also called: AUTOSOMAL RECESSIVE SPASTIC ATAXIA OF CHARLEVOIX-SAGUENAY; SPASTIC ATAXIA 6, AUTOSOMAL RECESSIVE; Spastic ataxia of Charlevoix-Saguenay. Identifiers: Orphanet 98, MedGen C1849140, MONDO:0010041, OMIM 270550.
Spastic paraplegia. Identifiers: MedGen C0037772, HP:0001258.

Allele frequency attached by ClinVar (database versions not stated): gnomAD exomes 0.00001 and 0.00002.
gnomAD v4.1: 33 of 1,614,092 alleles (0.002%); highest among the groups gnomAD compares: Non-Finnish European, 0.0028%; no homozygotes.

Submissions (4):

Baylor Genetics
Classification: Likely pathogenic for Charlevoix-Saguenay spastic ataxia. Last evaluated: 2023-10-20. Review status: criteria provided, single submitter. Criteria: ACMG Guidelines, 2015. Collection method: clinical testing. Allele origin: unknown.

Labcorp Genetics (formerly Invitae), Labcorp
Classification: Pathogenic for Spastic paraplegia. Last evaluated: 2023-04-06. Review status: criteria provided, single submitter. Criteria: Invitae Variant Classification Sherloc (09022015). Collection method: clinical testing. Allele origin: germline.
Comment: This sequence change creates a premature translational stop signal (p.Trp1861*) in the SACS gene. While this is not anticipated to result in nonsense mediated decay, it is expected to disrupt the last 2719 amino acid(s) of the SACS protein. This variant is present in population databases (no rsID available, gnomAD 0.002%). This variant has not been reported in the literature in individuals affected with SACS-related conditions. ClinVar contains an entry for this variant (Variation ID: 938233). This variant disrupts a region of the SACS protein in which other variant(s) (p.Tyr4538*) have been determined to be pathogenic (Invitae). This suggests that this is a clinically significant region of the protein, and that variants that disrupt it are likely to be disease-causing. For these reasons, this variant has been classified as Pathogenic.

Athena Diagnostics
Classification: Pathogenic. Last evaluated: 2023-02-08. Review status: criteria provided, single submitter. Criteria: Athena Diagnostics Criteria. Collection method: clinical testing. Allele origin: unknown.
Comment: This variant is expected to result in the loss of a functional protein. The frequency of this variant in the general population is consistent with pathogenicity. This variant has been identified in at least one individual with clinical features associated with this gene.

GeneDx
Classification: Likely pathogenic. Last evaluated: 2022-05-09. Review status: criteria provided, single submitter. Criteria: GeneDx Variant Classification Process June 2021. Collection method: clinical testing. Allele origin: germline. Affected: yes.
Comment: Nonsense variant in the C-terminus predicted to result in protein truncation, as the last 2719 amino acids are lost, and other loss-of-function variants have been reported downstream in HGMD; Not observed at significant frequency in large population cohorts (gnomAD); Has not been previously published as pathogenic or benign to our knowledge

NM_014363.6(SACS):c.5582G>A (p.Trp1861Ter)

Gene: SACS (sacsin molecular chaperone; minus strand). Cytogenetic location: 13q12.12.
Variant type: single nucleotide variant.
Coding change: c.5582G>A on transcript NM_014363.6 (MANE Select); coding-DNA position 5582, G replaced by A.
Protein change: p.Trp1861Ter; replaces tryptophan 1861 with a stop codon.
Molecular consequence: nonsense.
Genome position (GRCh38, 1-based): chr13:23,338,294, C>T on the plus strand (G>A on the coding strand, the complement: SACS is on the minus strand). VCF-style: chr13-23338294-C-T. GRCh37 (hg19) VCF-style: chr13-23912433-C-T.
Other names: c.5141G>A, p.Trp1714Ter (NM_001278055.2); short protein forms W1861*, W1714*.
Identifiers: ClinVar variation 938233 (VCV000938233.10), dbSNP rs946368716, ClinGen allele CA246659017.